The following is an entry in ClinVar:

ClinVar aggregate classification (germline): Likely benign. Review status: criteria provided, multiple submitters, no conflicts (2 of 4 stars). 3 submissions from 3 submitters: Likely benign (2). 1 of the submissions does not count toward it. Last evaluated 2024-11-01.

Conditions:
DNHD1-related disorder. Also called: DNHD1-related condition.

Allele frequency attached by ClinVar (database versions not stated): 1000 Genomes Project 0.00040; 1000 Genomes Project 30x 0.00078; ESP Exome Variant Server 0.00131; TOPMed 0.00133; gnomAD 0.00180 and 0.00183; ExAC 0.00196; gnomAD exomes 0.00206 and 0.00230.
gnomAD v4.1: 3,477 of 1,551,254 alleles (0.22%); highest among the groups gnomAD compares: Non-Finnish European, 0.24%; 5 homozygotes.

Submissions (3):

CeGaT Center for Human Genetics Tuebingen
Classification: Likely benign. Last evaluated: 2024-11-01. Review status: criteria provided, single submitter. Criteria: CeGaT Center For Human Genetics Tuebingen Variant Classification Criteria Version 2. Collection method: clinical testing. Allele origin: germline. Affected: yes. Observed: 2 variant alleles.
Comment: DNHD1: BP4, BS2

Labcorp Genetics (formerly Invitae), Labcorp
Classification: Likely benign. Last evaluated: 2019-12-31. Review status: criteria provided, single submitter. Criteria: Invitae Variant Classification Sherloc (09022015). Collection method: clinical testing. Allele origin: germline.

PreventionGenetics, part of Exact Sciences
Classification: Benign for DNHD1-related condition. Last evaluated: 2019-12-09. Review status: no assertion criteria provided. Collection method: clinical testing. Allele origin: germline. Not counted in ClinVar's aggregate classification.
Comment: This variant is classified as benign based on ACMG/AMP sequence variant interpretation guidelines (Richards et al. 2015 PMID: 25741868, with internal and published modifications).

NM_144666.3(DNHD1):c.5264G>A (p.Arg1755His)

Gene: DNHD1 (dynein heavy chain domain 1; plus strand). Cytogenetic location: 11p15.4.
Variant type: single nucleotide variant.
Coding change: c.5264G>A on transcript NM_144666.3 (MANE Select); coding-DNA position 5264, G replaced by A.
Protein change: p.Arg1755His; replaces arginine 1755 with histidine.
Molecular consequence: missense variant.
Genome position (GRCh38, 1-based): chr11:6,546,203, G>A. VCF-style: chr11-6546203-G-A. GRCh37 (hg19) VCF-style: chr11-6567433-G-A.
Other names: short protein forms R1755H.
Identifiers: ClinVar variation 770969 (VCV000770969.27), dbSNP rs199792237, ClinGen allele CA5856042.
Genomic context (GRCh38, chr11:6,546,203, plus strand): 5'-GGCTGCTGTTGGAGAAAGTTCATCAGCTGCCCCCTGGCTTGCTCTCTGCCCTGGGCCAGC[G>A]CCTGGGTGAACTGCACCACTTGTATGCCCCACTGTACCAGGAGGCTTCCCGAAACACAAG-3'
Protein context (NP_653267.2, residues 1745-1765): PPGLLSALGQ[Arg1755His]LGELHHLYAP